The following is an entry in ClinVar:

ClinVar aggregate classification (germline): Uncertain significance (1 of 4 stars; one submission).

Allele frequency attached by ClinVar (database versions not stated): gnomAD exomes below 0.00001; ExAC 0.00001; gnomAD 0.00003; TOPMed 0.00003.
gnomAD v4.1: 6 of 1,614,108 alleles (0.00037%); highest among the groups gnomAD compares: African/African-American, 0.008%; no homozygotes.

Submission:

Labcorp Genetics (formerly Invitae), Labcorp
Classification: Uncertain significance. Last evaluated: 2022-12-06. Review status: criteria provided, single submitter. Criteria: Invitae Variant Classification Sherloc (09022015). Collection method: clinical testing. Allele origin: germline.
Comment: This sequence change replaces aspartic acid, which is acidic and polar, with asparagine, which is neutral and polar, at codon 93 of the NANS protein (p.Asp93Asn). This variant is present in population databases (rs778876612, gnomAD 0.01%). This variant has not been reported in the literature in individuals affected with NANS-related conditions. Algorithms developed to predict the effect of missense changes on protein structure and function are either unavailable or do not agree on the potential impact of this missense change (SIFT: "Deleterious"; PolyPhen-2: "Benign"; Align-GVGD: "Class C0"). In summary, the available evidence is currently insufficient to determine the role of this variant in disease. Therefore, it has been classified as a Variant of Uncertain Significance.

NM_018946.4(NANS):c.277G>A (p.Asp93Asn)

Genes: TRIM14 (tripartite motif containing 14; minus strand), NANS (N-acetylneuraminate synthase; plus strand). Cytogenetic location: 9q22.33.
Variant type: single nucleotide variant.
Coding change: c.277G>A on transcript NM_018946.4 (MANE Select); coding-DNA position 277, G replaced by A.
Protein change: p.Asp93Asn; replaces aspartic acid 93 with asparagine.
Molecular consequence: missense variant.
Genome position (GRCh38, 1-based): chr9:98,060,926, G>A. VCF-style: chr9-98060926-G-A. GRCh37 (hg19) VCF-style: chr9-100823208-G-A.
Other names: short protein forms D93N.
Identifiers: ClinVar variation 1900850 (VCV001900850.5), dbSNP rs778876612, ClinGen allele CA5150228.
Genomic context (GRCh38, chr9:98,060,926, plus strand): 5'-TCGAAGCATTCCTGGGGGAAGACGTACGGGGAGCACAAACGACATCTGGAGTTCAGCCAT[G>A]ACCAGTACAGGGAGCTGCAGAGGTACGCCGAGGAGGTTGGGATCTTCTTCACTGCCTCTG-3'
Protein context (NP_061819.2, residues 83-103): EHKRHLEFSH[Asp93Asn]QYRELQRYAE